The following is an entry in ClinVar:

NM_005591.4(MRE11):c.881T>C (p.Met294Thr)

Gene: MRE11 (MRE11 double strand break repair nuclease; minus strand). Cytogenetic location: 11q21.
Variant type: single nucleotide variant.
Coding change: c.881T>C on transcript NM_005591.4 (MANE Select); coding-DNA position 881, T replaced by C.
Protein change: p.Met294Thr; replaces methionine 294 with threonine.
Molecular consequence: missense variant.
Genome position (GRCh38, 1-based): chr11:94,470,607, A>G on the plus strand (T>C on the coding strand, the complement: MRE11 is on the minus strand). VCF-style: chr11-94470607-A-G. GRCh37 (hg19) VCF-style: chr11-94203773-A-G.
Other names: c.881T>C, p.Met294Thr (NM_001330347.2, NM_005590.4); short protein forms M294T.
Identifiers: ClinVar variation 822757 (VCV000822757.6), dbSNP rs1591692940, ClinGen allele CA382374676.
Genomic context (GRCh38, chr11:94,470,607, plus strand): 5'-AGAACAATATCCTCCATGAAAAACTGCCGCACTGTGTGAAGAGGAATTTTATGCATATTC[A>G]TCTTCCTCCCTTTAATACGCAGCAAACCAACATGTCTGAAGTGGAGAGAAATGAACACCG-3'
Protein context (NP_005582.1, residues 284-304): VGLLRIKGRK[Met294Thr]NMHKIPLHTV

ClinVar aggregate classification (germline): Uncertain significance. Review status: criteria provided, multiple submitters, no conflicts (2 of 4 stars). 2 submissions from 2 submitters: Uncertain significance (2). Last evaluated 2019-11-04.

Conditions:
Hereditary cancer-predisposing syndrome. Also called: Tumor predisposition; Hereditary Cancer Syndrome; Neoplastic Syndromes, Hereditary; Hereditary neoplastic syndrome. Identifiers: Orphanet 140162, MedGen C0027672, MeSH D009386, MONDO:0015356.
Hereditary breast ovarian cancer syndrome. Also called: Hereditary breast and ovarian cancer; Breast and ovarian cancer; Hereditary breast and/or ovarian cancer syndrome; Hereditary breast and ovarian cancer syndrome; BRCA1- and BRCA2-Associated Hereditary Breast and Ovarian Cancer; Hereditary breast and ovarian cancer syndrome (HBOC). Identifiers: Orphanet 145, MedGen C0677776, MeSH D061325, MONDO:0003582. Disease mechanism: loss of function.

Allele frequency attached by ClinVar (database versions not stated): gnomAD exomes below 0.00001.
gnomAD v4.1: 1 of 1,613,246 alleles (0.000062%); highest among the groups gnomAD compares: Non-Finnish European, 0.000085%; no homozygotes.

Submissions (2):

Ambry Genetics
Classification: Uncertain significance for Hereditary cancer-predisposing syndrome. Last evaluated: 2019-11-04. Review status: criteria provided, single submitter. Criteria: Ambry Variant Classification Scheme 2023. Collection method: clinical testing. Allele origin: germline.
Comment: The p.M294T variant (also known as c.881T>C), located in coding exon 8 of the MRE11A gene, results from a T to C substitution at nucleotide position 881. The methionine at codon 294 is replaced by threonine, an amino acid with similar properties. This amino acid position is highly conserved in available vertebrate species. In addition, this alteration is predicted to be deleterious by in silico analysis. Since supporting evidence is limited at this time, the clinical significance of this alteration remains unclear.

Cancer Genomics Group, Japanese Foundation For Cancer Research
Classification: Uncertain significance for Hereditary breast and ovarian cancer syndrome. Last evaluated: 2019-05-01. Review status: criteria provided, single submitter. Criteria: ACMG Guidelines, 2015. Collection method: research. Allele origin: germline. Affected: yes.